The following is an entry in ClinVar:

ClinVar aggregate classification (germline): Likely benign (1 of 4 stars; one submission).

Submission:

CeGaT Center for Human Genetics Tuebingen
Classification: Likely benign. Last evaluated: 2025-02-01. Review status: criteria provided, single submitter. Criteria: CeGaT Center For Human Genetics Tuebingen Variant Classification Criteria Version 2. Collection method: clinical testing. Allele origin: germline. Affected: yes. Observed: 1 variant allele.
Comment: MUC21: BP4, BP7

NM_001010909.5(MUC21):c.693C>T (p.Ser231=)

Genes: MUC21 (mucin 21, cell surface associated; plus strand), LOC126859647 (CDK7 strongly-dependent group 2 enhancer GRCh37_chr6:30954612-30955811; plus strand). Cytogenetic location: 6p21.33.
Variant type: single nucleotide variant.
Coding change: c.693C>T on transcript NM_001010909.5 (MANE Select); coding-DNA position 693, C replaced by T.
Protein change: p.Ser231=; no amino-acid change (serine 231 retained).
Molecular consequence: synonymous variant. On other transcripts: non-coding transcript variant (1).
Genome position (GRCh38, 1-based): chr6:30,986,868, C>T. VCF-style: chr6-30986868-C-T. GRCh37 (hg19) VCF-style: chr6-30954645-C-T.
Identifiers: ClinVar variation 3771190 (VCV003771190.13).